The following is an entry in ClinVar:

ClinVar aggregate classification (germline): Uncertain significance. Review status: criteria provided, multiple submitters, no conflicts (2 of 4 stars). 2 submissions from 2 submitters: Uncertain significance (2). Last evaluated 2023-06-28.

Conditions:
Cardiomyopathy (CMYO). Also called: Cardiomyopathies. Identifiers: Orphanet 167848, MedGen C0878544, MONDO:0004994, HP:0001638. Inheritance: Various modes of inheritance.
Cardiovascular phenotype. Identifiers: MedGen CN230736.

Submissions (2):

All of Us Research Program, National Institutes of Health
Classification: Uncertain significance for Cardiomyopathy. Last evaluated: 2023-06-28. Review status: criteria provided, single submitter. Criteria: ACMG Guidelines, 2015. Collection method: clinical testing. Allele origin: germline. Inheritance: Autosomal dominant inheritance. Observed: 1 variant allele, 1 heterozygote.
Comment: This study involves interpretation of variants in research participants for the purpose of population health screening. Participant phenotype was not available at the time of variant classification. Additional details can be found in publication PMID: 35346344, PMCID: PMC8962531

Ambry Genetics
Classification: Uncertain significance for Cardiovascular phenotype. Last evaluated: 2021-08-20. Review status: criteria provided, single submitter. Criteria: Ambry Variant Classification Scheme 2023. Collection method: clinical testing. Allele origin: germline.
Comment: The c.2424-2A>G intronic variant results from an A to G substitution two nucleotides upstream from coding exon 20 in the MYH7 gene. This nucleotide position is highly conserved in available vertebrate species. In silico splice site analysis predicts that this alteration will weaken the native splice acceptor site. Alterations that disrupt the canonical splice site are expected to cause aberrant splicing, resulting in an abnormal protein or a transcript that is subject to nonsense-mediated mRNA decay. However, loss of function of MYH7 has not been clearly established as a mechanism of disease. Since supporting evidence is limited at this time, the clinical significance of this alteration remains unclear.

NM_000257.4(MYH7):c.2424-2A>G

Genes: MYH7 (myosin heavy chain 7; minus strand), LOC126861898 (BRD4-independent group 4 enhancer GRCh37_chr14:23893609-23894808; plus strand). Cytogenetic location: 14q11.2.
Variant type: single nucleotide variant.
Coding change: c.2424-2A>G on transcript NM_000257.4 (MANE Select); the canonical splice acceptor site of the intron before coding-DNA position 2424, A replaced by G.
Molecular consequence: splice acceptor variant.
Genome position (GRCh38, 1-based): chr14:23,425,026, T>C on the plus strand (A>G on the coding strand, the complement: MYH7 is on the minus strand). VCF-style: chr14-23425026-T-C. GRCh37 (hg19) VCF-style: chr14-23894235-T-C.
Other names: c.2424-2A>G (NM_001407004.1).
Identifiers: ClinVar variation 1791050 (VCV001791050.3), dbSNP rs2502284424, ClinGen allele CA389048443.